The following is an entry in ClinVar:

ClinVar aggregate classification (germline): Uncertain significance. Review status: criteria provided, multiple submitters, no conflicts (2 of 4 stars). 3 submissions from 3 submitters: Uncertain significance (3). Last evaluated 2025-03-21.

Conditions:
Inborn genetic diseases. Identifiers: MedGen C0950123, MeSH D030342.
Donnai-Barrow syndrome. Also called: DBS/FOAR SYNDROME; FACIOOCULOACOUSTICORENAL SYNDROME. Identifiers: Orphanet 2143, MedGen C1857277, MONDO:0009104, OMIM 222448.

Allele frequency attached by ClinVar (database versions not stated): ExAC 0.00001; gnomAD exomes 0.00001; TOPMed 0.00002.
gnomAD v4.1: 17 of 1,614,188 alleles (0.0011%); highest among the groups gnomAD compares: Non-Finnish European, 0.0014%; no homozygotes.

Submissions (3):

Ambry Genetics
Classification: Uncertain significance for Inborn genetic diseases. Last evaluated: 2025-03-21. Review status: criteria provided, single submitter. Criteria: Ambry Variant Classification Scheme 2023. Collection method: clinical testing. Allele origin: germline.

Labcorp Genetics (formerly Invitae), Labcorp
Classification: Uncertain significance. Last evaluated: 2022-06-20. Review status: criteria provided, single submitter. Criteria: Invitae Variant Classification Sherloc (09022015). Collection method: clinical testing. Allele origin: germline.
Comment: This sequence change replaces serine, which is neutral and polar, with threonine, which is neutral and polar, at codon 1617 of the LRP2 protein (p.Ser1617Thr). This variant is present in population databases (rs775105684, gnomAD 0.003%). This variant has not been reported in the literature in individuals affected with LRP2-related conditions. ClinVar contains an entry for this variant (Variation ID: 332167). Advanced modeling of protein sequence and biophysical properties (such as structural, functional, and spatial information, amino acid conservation, physicochemical variation, residue mobility, and thermodynamic stability) performed at Invitae indicates that this missense variant is not expected to disrupt LRP2 protein function. In summary, the available evidence is currently insufficient to determine the role of this variant in disease. Therefore, it has been classified as a Variant of Uncertain Significance.

Fulgent Genetics
Classification: Uncertain significance for Donnai-Barrow syndrome. Last evaluated: 2021-11-03. Review status: criteria provided, single submitter. Criteria: ACMG Guidelines, 2015. Collection method: clinical testing. Allele origin: unknown.

NM_004525.3(LRP2):c.4849T>A (p.Ser1617Thr)

Gene: LRP2 (LDL receptor related protein 2; minus strand). Cytogenetic location: 2q31.1.
Variant type: single nucleotide variant.
Coding change: c.4849T>A on transcript NM_004525.3 (MANE Select); coding-DNA position 4849, T replaced by A.
Protein change: p.Ser1617Thr; replaces serine 1617 with threonine.
Molecular consequence: missense variant.
Genome position (GRCh38, 1-based): chr2:169,235,911, A>T on the plus strand (T>A on the coding strand, the complement: LRP2 is on the minus strand). VCF-style: chr2-169235911-A-T. GRCh37 (hg19) VCF-style: chr2-170092421-A-T.
Other names: short protein forms S1617T.
Identifiers: ClinVar variation 332167 (VCV000332167.11), dbSNP rs775105684, ClinGen allele CA1954697.